The following is an entry in ClinVar:

NM_024675.4(PALB2):c.1881G>A (p.Val627=)

Gene: PALB2 (partner and localizer of BRCA2; minus strand). Cytogenetic location: 16p12.2.
Variant type: single nucleotide variant.
Coding change: c.1881G>A on transcript NM_024675.4 (MANE Select); coding-DNA position 1881, G replaced by A.
Protein change: p.Val627=; no amino-acid change (valine 627 retained).
Molecular consequence: synonymous variant.
Genome position (GRCh38, 1-based): chr16:23,630,273, C>T on the plus strand (G>A on the coding strand, the complement: PALB2 is on the minus strand). VCF-style: chr16-23630273-C-T. GRCh37 (hg19) VCF-style: chr16-23641594-C-T.
Identifiers: ClinVar variation 187715 (VCV000187715.35), dbSNP rs139362268, ClinGen allele CA198388.

ClinVar aggregate classification (germline): Benign/Likely benign. Review status: criteria provided, multiple submitters, no conflicts (2 of 4 stars). 8 submissions from 8 submitters: Benign (1); Likely benign (6). 1 of the submissions does not count toward it. Last evaluated 2026-01-31.

Conditions:
Hereditary cancer-predisposing syndrome. Also called: Neoplastic Syndromes, Hereditary; Tumor predisposition; Hereditary Cancer Syndrome; Hereditary neoplastic syndrome. Identifiers: Orphanet 140162, MedGen C0027672, MeSH D009386, MONDO:0015356.
Familial cancer of breast. Also called: BREAST CANCER, FAMILIAL; Hereditary breast cancer; hereditary breast carcinoma. Identifiers: Orphanet 227535, MedGen C0346153, MONDO:0016419, OMIM 114480. Disease mechanism: loss of function.
Pancreatic cancer, susceptibility to, 3. Identifiers: Orphanet 1333, MedGen C3150547, MONDO:0013236, OMIM 613348.

Allele frequency attached by ClinVar (database versions not stated): TOPMed 0.00002; gnomAD 0.00003.
gnomAD v4.1: 2 of 1,614,046 alleles (0.00012%); highest among the groups gnomAD compares: East Asian, 0.0045%; no homozygotes.

Submissions (8):

Labcorp Genetics (formerly Invitae), Labcorp
Classification: Likely benign for Familial cancer of breast. Last evaluated: 2026-01-31. Review status: criteria provided, single submitter. Criteria: Invitae Variant Classification Sherloc (09022015). Collection method: clinical testing. Allele origin: germline.

Myriad Genetics, Inc.
Classification: Benign for Familial cancer of breast. Last evaluated: 2025-01-14. Review status: criteria provided, single submitter. Criteria: Myriad Autosomal Dominant, Autosomal Recessive and X-Linked Classification Criteria (2023). Collection method: clinical testing. Allele origin: unknown.
Comment: This variant is considered benign. This variant is a silent/synonymous amino acid change and it is not expected to impact splicing.

Sema4
Classification: Likely benign for Hereditary cancer-predisposing syndrome. Last evaluated: 2022-03-01. Review status: criteria provided, single submitter. Criteria: Sema4 Curation Guidelines. Collection method: curation. Allele origin: germline.

Department of Pathology and Laboratory Medicine, Sinai Health System
Classification: Likely benign for Pancreatic cancer, susceptibility to, 3. Last evaluated: 2021-09-24. Review status: criteria provided, single submitter. Criteria: ACMG Guidelines, 2015. Collection method: clinical testing. Allele origin: germline. Affected: yes.

GeneDx
Classification: Likely benign. Last evaluated: 2018-12-30. Review status: criteria provided, single submitter. Criteria: GeneDx Variant Classification Process June 2021. Collection method: clinical testing. Allele origin: germline. Affected: yes.
Comment: This variant is associated with the following publications: (PMID: 22692731)

Color Diagnostics, LLC DBA Color Health
Classification: Likely benign for Hereditary cancer-predisposing syndrome. Last evaluated: 2017-01-22. Review status: criteria provided, single submitter. Criteria: ACMG Guidelines, 2015. Collection method: clinical testing. Allele origin: germline.

Ambry Genetics
Classification: Likely benign for Hereditary cancer-predisposing syndrome. Last evaluated: 2014-12-30. Review status: criteria provided, single submitter. Criteria: Ambry Variant Classification Scheme 2023. Collection method: clinical testing. Allele origin: germline.

Leiden Open Variation Database
Classification: Benign. Last evaluated: 2018-08-25. Review status: no assertion criteria provided. Collection method: curation. Allele origin: germline. Affected: yes. Not counted in ClinVar's aggregate classification.
Comment: Curators: Marc Tischkowitz, Arleen D. Auerbach. Submitter to LOVD: Yukihide Momozawa.

Literature cited by the submitters: PubMed 32980694 (cited by Sema4); PubMed 30287823 (cited by 3 submitters).